The following is an entry in ClinVar:

ClinVar aggregate classification (germline): Uncertain significance (1 of 4 stars; one submission).

Allele frequency attached by ClinVar (database versions not stated): gnomAD exomes below 0.00001 and 0.00001; TOPMed 0.00001; ExAC 0.00002; gnomAD 0.00002.
gnomAD v4.1: 8 of 1,613,576 alleles (0.0005%); highest among the groups gnomAD compares: East Asian, 0.0067%; no homozygotes.

Submission:

Labcorp Genetics (formerly Invitae), Labcorp
Classification: Uncertain significance. Last evaluated: 2021-06-08. Review status: criteria provided, single submitter. Criteria: Invitae Variant Classification Sherloc (09022015). Collection method: clinical testing. Allele origin: germline.
Comment: In summary, the available evidence is currently insufficient to determine the role of this variant in disease. Therefore, it has been classified as a Variant of Uncertain Significance. Algorithms developed to predict the effect of missense changes on protein structure and function are either unavailable or do not agree on the potential impact of this missense change (SIFT: "Tolerated"; PolyPhen-2: "Probably Damaging"; Align-GVGD: "Class C0"). This variant has not been reported in the literature in individuals with SBF1-related conditions. This variant is present in population databases (rs770926599, ExAC 0.01%). This sequence change replaces glycine with alanine at codon 181 of the SBF1 protein (p.Gly181Ala). The glycine residue is highly conserved and there is a small physicochemical difference between glycine and alanine.

NM_002972.4(SBF1):c.542G>C (p.Gly181Ala)

Gene: SBF1 (SET binding factor 1; minus strand). Cytogenetic location: 22q13.33.
Variant type: single nucleotide variant.
Coding change: c.542G>C on transcript NM_002972.4 (MANE Select); coding-DNA position 542, G replaced by C.
Protein change: p.Gly181Ala; replaces glycine 181 with alanine.
Molecular consequence: missense variant.
Genome position (GRCh38, 1-based): chr22:50,467,345, C>G on the plus strand (G>C on the coding strand, the complement: SBF1 is on the minus strand). VCF-style: chr22-50467345-C-G. GRCh37 (hg19) VCF-style: chr22-50905774-C-G.
Other names: c.545G>C, p.Gly182Ala (NM_001365819.1); short protein forms G181A, G182A.
Identifiers: ClinVar variation 1525467 (VCV001525467.6), dbSNP rs770926599, ClinGen allele CA10318048.